The following is an entry in ClinVar:

NC_000023.11:g.(?_31773940)_(32217083_?)del

Genes: DMD (dystrophin; minus strand), LOC129391296 (MPRA-validated peak7373 silencer; plus strand), LOC129391297 (MPRA-validated peak7374 silencer; plus strand). Cytogenetic location: Xp21.1.
Variant type: Deletion.
Identifiers: ClinVar variation 455813 (VCV000455813.2).

ClinVar aggregate classification (germline): Pathogenic (1 of 4 stars; one submission).

Conditions:
Duchenne muscular dystrophy (DMD). Also called: MUSCULAR DYSTROPHY, PSEUDOHYPERTROPHIC PROGRESSIVE, DUCHENNE TYPE; Duchenne Muscular Dystrophy (DMD). Identifiers: Orphanet 98896, MedGen C0013264, MONDO:0010679, OMIM 310200.

Submission:

Labcorp Genetics (formerly Invitae), Labcorp
Classification: Pathogenic for Duchenne muscular dystrophy. Last evaluated: 2021-08-12. Review status: criteria provided, single submitter. Criteria: Invitae Variant Classification Sherloc (09022015). Collection method: clinical testing. Allele origin: germline.
Comment: This variant is a gross deletion of the genomic region encompassing exon(s) 44-51 of the DMD gene. This deletion is out-of-frame, and is expected to create a premature termination codon and result in an absent or disrupted protein product. Loss-of-function variants in DMD are known to be pathogenic (PMID: 16770791, 25007885). A similar copy number variant has been observed in individuals with Duchenne muscular dystrophy (PMID: 9619643, 21515508, 22090376). For these reasons, this variant has been classified as Pathogenic.

Literature cited by the submitters: PubMed 16770791; PubMed 25007885; PubMed 9619643; PubMed 21515508; PubMed 22090376.